The following is an entry in ClinVar:

ClinVar aggregate classification (germline): Benign/Likely benign. Review status: criteria provided, multiple submitters, no conflicts (2 of 4 stars). 8 submissions from 8 submitters: Benign (1); Likely benign (5). 2 of the submissions do not count toward it. Last evaluated 2026-01-28.

Conditions:
Familial cancer of breast. Also called: Hereditary breast cancer; hereditary breast carcinoma; BREAST CANCER, FAMILIAL. Identifiers: Orphanet 227535, MedGen C0346153, MONDO:0016419, OMIM 114480. Disease mechanism: loss of function.
Breast-ovarian cancer, familial, susceptibility to, 1 (BROVCA1). Also called: BRCA1 Hereditary Breast and Ovarian Cancer; OVARIAN CANCER, SUSCEPTIBILITY TO. Identifiers: Orphanet 145, MedGen C2676676, MONDO:0011450, OMIM 604370. Disease mechanism: loss of function.
Fanconi anemia, complementation group S (FANCS). Identifiers: MedGen C4554406, MONDO:0054748, OMIM 617883.
BRCA1-related disorder. Also called: BRCA1-related condition.
Hereditary cancer-predisposing syndrome. Also called: Tumor predisposition; Hereditary neoplastic syndrome; Hereditary Cancer Syndrome; Neoplastic Syndromes, Hereditary. Identifiers: Orphanet 140162, MedGen C0027672, MeSH D009386, MONDO:0015356.
Hereditary breast ovarian cancer syndrome. Also called: Hereditary breast and/or ovarian cancer syndrome; Breast and ovarian cancer; Hereditary breast and ovarian cancer syndrome; Hereditary breast and ovarian cancer; Hereditary breast and ovarian cancer syndrome (HBOC); BRCA1- and BRCA2-Associated Hereditary Breast and Ovarian Cancer. Identifiers: Orphanet 145, MedGen C0677776, MeSH D061325, MONDO:0003582. Disease mechanism: loss of function.

Submissions (8):

Labcorp Genetics (formerly Invitae), Labcorp
Classification: Benign for Hereditary breast ovarian cancer syndrome. Last evaluated: 2026-01-28. Review status: criteria provided, single submitter. Criteria: Invitae Variant Classification Sherloc (09022015). Collection method: clinical testing. Allele origin: germline.

Center for Genomic Medicine, Rigshospitalet, Copenhagen University Hospital
Classification: Likely benign. Last evaluated: 2025-03-04. Review status: criteria provided, single submitter. Criteria: ACMG Guidelines, 2015. Collection method: clinical testing. Allele origin: germline.

Department of Pathology and Laboratory Medicine, Sinai Health System
Classification: Likely benign for Familial cancer of breast; Breast-ovarian cancer, familial, susceptibility to, 1; Fanconi anemia, complementation group S. Last evaluated: 2021-08-31. Review status: criteria provided, single submitter. Criteria: ACMG Guidelines, 2015. Collection method: clinical testing. Allele origin: germline. Affected: yes.

Women's Health and Genetics/Laboratory Corporation of America, LabCorp
Classification: Likely benign. Last evaluated: 2021-04-02. Review status: criteria provided, single submitter. Criteria: LabCorp Variant Classification Summary - May 2015. Collection method: clinical testing. Allele origin: germline.
Comment: Variant summary: BRCA1 c.81-12dupC alters a nucleotide located close to a canonical splice site and therefore could affect mRNA splicing, leading to a significantly altered protein sequence. 4/4 computational tools predict no significant impact on normal splicing. However, these predictions have yet to be confirmed by functional studies. The variant allele was found at a frequency of 4.5e-05 in 246302 control chromosomes (gnomAD). This frequency is not higher than expected for a pathogenic variant in BRCA1 causing Hereditary Breast And Ovarian Cancer Syndrome (4.5e-05 vs 0.001), allowing no conclusion about variant significance. c.81-12dupC has been reported in the literature in an individual affected with Hereditary Breast and Ovarian Cancer (Judkins_2005). The report does not provide unequivocal conclusions about association of the variant with Hereditary Breast And Ovarian Cancer Syndrome. At least one co-occurrence with another pathogenic variant has been reported (BRCA2 c.3812C>G, p.Ser1271X, UMD database), providing supporting evidence for a benign role. To our knowledge, no experimental evidence demonstrating an impact on protein function has been reported. Three ClinVar submitters (evaluation after 2014) cite the variant as benign (n=1) and likely benign (n=2). Based on the evidence outlined above, the variant was classified as likely benign.

GeneDx
Classification: Likely benign. Last evaluated: 2017-12-11. Review status: criteria provided, single submitter. Criteria: GeneDx Variant Classification (06012015). Collection method: clinical testing. Allele origin: germline. Affected: yes.
Comment: This variant is considered likely benign or benign based on one or more of the following criteria: it is a conservative change, it occurs at a poorly conserved position in the protein, it is predicted to be benign by multiple in silico algorithms, and/or has population frequency not consistent with disease.

Color Diagnostics, LLC DBA Color Health
Classification: Likely benign for Hereditary cancer-predisposing syndrome. Last evaluated: 2017-09-08. Review status: criteria provided, single submitter. Criteria: ACMG Guidelines, 2015. Collection method: clinical testing. Allele origin: germline.

PreventionGenetics, part of Exact Sciences
Classification: Likely benign for BRCA1-related condition. Last evaluated: 2022-11-23. Review status: no assertion criteria provided. Collection method: clinical testing. Allele origin: germline. Not counted in ClinVar's aggregate classification.
Comment: This variant is classified as likely benign based on ACMG/AMP sequence variant interpretation guidelines (Richards et al. 2015 PMID: 25741868, with internal and published modifications).

Breast Cancer Information Core (BIC) (BRCA1)
Classification: Uncertain significance for Breast-ovarian cancer, familial 1. Last evaluated: 2003-12-23. Review status: no assertion criteria provided. Collection method: clinical testing. Allele origin: germline. Affected: yes. Observed: 1 variant allele. Not counted in ClinVar's aggregate classification.

Literature cited by the submitters: PubMed 16267036 (cited by Women's Health and Genetics/Laboratory Corporation of America, LabCorp).

NM_007294.4(BRCA1):c.81-12dup

Gene: BRCA1 (BRCA1 DNA repair associated; minus strand). Cytogenetic location: 17q21.31.
Variant type: Duplication.
Coding change: c.81-12dup on transcript NM_007294.4 (MANE Select); 12 bases into the intron before coding-DNA position 81, one base duplicated (C; older notation c.81-12dupC).
Molecular consequence: intron variant.
Genome position (GRCh38, 1-based): chr17:43,115,791, G duplicated on the plus strand (C on the coding strand, the reverse complement: BRCA1 is on the minus strand); the first of 7 consecutive G bases (chr17:43,115,791-43,115,797); duplicating any one gives the same sequence. VCF-style (leftmost placement, unchanged base first): chr17-43115790-A-AG. GRCh37 (hg19) VCF-style: chr17-41267807-A-AG.
Other names: IVS2-12insC; c.81-12dupC (NM_007294.3, NM_007294.4); c.-61-12dup (NM_001408458.1, NM_001408470.1, NM_001407848.1 and 47 more transcripts); c.-219+9486dup (NM_001407967.1); c.-170+9486dup (NM_001407959.1); c.-7-9258dup (NM_001407931.1, NM_001407747.1, NM_001408511.1 and 2 more transcripts); c.-223-12dup (NM_001407962.1, NM_001408512.1, NM_001408510.1 and 1 more transcripts); c.-108-12dup (NM_001407885.1, NM_001407886.1, NM_001408509.1 and 52 more transcripts); and 12 more.
Identifiers: ClinVar variation 125523 (VCV000125523.25), dbSNP rs273902789, ClinGen allele CA003897.